The following is an entry in ClinVar:

ClinVar aggregate classification (germline): Uncertain significance (1 of 4 stars; one submission).

Submission:

GeneDx
Classification: Uncertain significance. Last evaluated: 2016-05-20. Review status: criteria provided, single submitter. Criteria: GeneDx Variant Classification (06012015). Collection method: clinical testing. Allele origin: germline. Affected: yes.
Comment: The S188R variant has not been published as a pathogenic variant, nor has it been reported as a benign variant to our knowledge. The S188R variant was not observed in approximately 6,500 individuals of European and African American ancestry in the NHLBI Exome Sequencing Project, indicating it is not a common benign variant in these populations. The S188R variant is a semi-conservative amino acid substitution, which may impact secondary protein structure as these residues differ in some properties. This substitution occurs at a position that is conserved across species; however, in silico analysis predicts this variant likely does not alter the protein structure/function.

NM_002880.4(RAF1):c.562A>C (p.Ser188Arg)

Gene: RAF1 (Raf-1 proto-oncogene, serine/threonine kinase; minus strand). Cytogenetic location: 3p25.2.
Variant type: single nucleotide variant.
Coding change: c.562A>C on transcript NM_002880.4 (MANE Select); coding-DNA position 562, A replaced by C.
Protein change: p.Ser188Arg; replaces serine 188 with arginine.
Molecular consequence: missense variant. On other transcripts: non-coding transcript variant (3).
Genome position (GRCh38, 1-based): chr3:12,608,785, T>G on the plus strand (A>C on the coding strand, the complement: RAF1 is on the minus strand). VCF-style: chr3-12608785-T-G. GRCh37 (hg19) VCF-style: chr3-12650284-T-G.
Other names: c.562A>C, p.Ser188Arg (NM_001354689.3, NM_001354690.3, NM_001354693.3); c.319A>C, p.Ser107Arg (NM_001354691.3, NM_001354692.3, NM_001354694.3 and 1 more transcripts); short protein forms S188R, S107R.
Identifiers: ClinVar variation 40596 (VCV000040596.2), dbSNP rs886041230, ClinGen allele CA10602362.